The following is an entry in ClinVar:

NM_016004.5(IFT52):c.998C>A (p.Thr333Asn)

Gene: IFT52 (intraflagellar transport 52; plus strand). Cytogenetic location: 20q13.12.
Variant type: single nucleotide variant.
Coding change: c.998C>A on transcript NM_016004.5 (MANE Select); coding-DNA position 998, C replaced by A.
Protein change: p.Thr333Asn; replaces threonine 333 with asparagine.
Molecular consequence: missense variant.
Genome position (GRCh38, 1-based): chr20:43,636,000, C>A. VCF-style: chr20-43636000-C-A. GRCh37 (hg19) VCF-style: chr20-42264640-C-A.
Other names: c.998C>A, p.Thr333Asn (NM_001303458.3, NM_001303459.3); c.470C>A, p.Thr157Asn (NM_001323578.2, NM_001323580.2); c.347C>A, p.Thr116Asn (NM_001323579.2, NM_001323581.2); short protein forms T116N, T157N, T333N.
Identifiers: ClinVar variation 1996431 (VCV001996431.4), dbSNP rs746931370, ClinGen allele CA409086369.

ClinVar aggregate classification (germline): Uncertain significance (1 of 4 stars; one submission).

Submission:

Labcorp Genetics (formerly Invitae), Labcorp
Classification: Uncertain significance. Last evaluated: 2022-11-07. Review status: criteria provided, single submitter. Criteria: Invitae Variant Classification Sherloc (09022015). Collection method: clinical testing. Allele origin: germline.
Comment: Advanced modeling of protein sequence and biophysical properties (such as structural, functional, and spatial information, amino acid conservation, physicochemical variation, residue mobility, and thermodynamic stability) performed at Invitae indicates that this missense variant is not expected to disrupt IFT52 protein function. In summary, the available evidence is currently insufficient to determine the role of this variant in disease. Therefore, it has been classified as a Variant of Uncertain Significance. This variant has not been reported in the literature in individuals affected with IFT52-related conditions. This variant is not present in population databases (gnomAD no frequency). This sequence change replaces threonine, which is neutral and polar, with asparagine, which is neutral and polar, at codon 333 of the IFT52 protein (p.Thr333Asn).